The following is an entry in ClinVar:

NM_014225.6(PPP2R1A):c.78+30A>C

Gene: PPP2R1A (protein phosphatase 2 scaffold subunit Aalpha; plus strand). Cytogenetic location: 19q13.41.
Variant type: single nucleotide variant.
Coding change: c.78+30A>C on transcript NM_014225.6 (MANE Select); 30 bases into the intron after coding-DNA position 78, A replaced by C.
Molecular consequence: intron variant.
Genome position (GRCh38, 1-based): chr19:52,190,204, A>C. VCF-style: chr19-52190204-A-C. GRCh37 (hg19) VCF-style: chr19-52693457-A-C.
Identifiers: ClinVar variation 133376 (VCV000133376.1), dbSNP rs79308790, ClinGen allele CA156467.

ClinVar aggregate classification (germline): not provided (0 of 4 stars; one submission).

Allele frequency attached by ClinVar (database versions not stated): gnomAD exomes 0.00399; ExAC 0.00879; ESP Exome Variant Server 0.01382; gnomAD 0.01986; TOPMed 0.02051; 1000 Genomes Project 0.02276; 1000 Genomes Project 30x 0.02358.
gnomAD v4.1: 5,360 of 1,547,534 alleles (0.35%); highest among the groups gnomAD compares: African/African-American, 6.3%; 152 homozygotes.

Submission:

ITMI
No classification provided. Condition: AllHighlyPenetrant. Last evaluated: 2013-09-19. Review status: no classification provided. Collection method: reference population. Allele origin: germline.
Comment: Please see associated publication for description of ethnicities

Literature cited by the submitters: PubMed 24728327.